The following is an entry in ClinVar:

NM_001330078.2(NRXN1):c.305C>T (p.Thr102Met)

Gene: NRXN1 (neurexin 1; minus strand). Cytogenetic location: 2p16.3.
Variant type: single nucleotide variant.
Coding change: c.305C>T on transcript NM_001330078.2 (MANE Select); coding-DNA position 305, C replaced by T.
Protein change: p.Thr102Met; replaces threonine 102 with methionine.
Molecular consequence: missense variant.
Genome position (GRCh38, 1-based): chr2:51,027,969, G>A on the plus strand (C>T on the coding strand, the complement: NRXN1 is on the minus strand). VCF-style: chr2-51027969-G-A. GRCh37 (hg19) VCF-style: chr2-51255107-G-A.
Other names: c.305C>T, p.Thr102Met (NM_001135659.3, NM_001330077.2, NM_001330079.2 and 15 more transcripts); short protein forms T102M.
Identifiers: ClinVar variation 4765903 (VCV004765903.1).
Genomic context (GRCh38, chr2:51,027,969, plus strand): 5'-TGGCGGCGGATGCGCACGCTGTGCCAGGCGCCGTCGTTAACCGGCGTGTCGGCCAGGAGC[G>A]TCGCAGGCTCAGCGCAGAAGATGGAGAAGCTGAGCTGCAGGCGGCCGCCGCGCGTCAGAA-3'
Protein context (NP_001317007.1, residues 92-112): SFSIFCAEPA[Thr102Met]LLADTPVNDG

ClinVar aggregate classification (germline): Uncertain significance (1 of 4 stars; one submission).

Conditions:
Pitt-Hopkins-like syndrome 2 (PTHSL2). Identifiers: Orphanet 221150, Orphanet 600663, MedGen C3280479, MONDO:0013690, OMIM 614325.

gnomAD v4.1: 2 of 1,602,066 alleles (0.00012%); highest among the groups gnomAD compares: Non-Finnish European, 0.00017%; no homozygotes.

Submission:

Labcorp Genetics (formerly Invitae), Labcorp
Classification: Uncertain significance for Pitt-Hopkins-like syndrome 2. Last evaluated: 2025-04-29. Review status: criteria provided, single submitter. Criteria: Invitae Variant Classification Sherloc (09022015). Collection method: clinical testing. Allele origin: germline.
Comment: This sequence change replaces threonine, which is neutral and polar, with methionine, which is neutral and non-polar, at codon 102 of the NRXN1 protein (p.Thr102Met). This variant is not present in population databases (gnomAD no frequency). This variant has not been reported in the literature in individuals affected with NRXN1-related conditions. An algorithm developed to predict the effect of missense changes on protein structure and function (PolyPhen-2) suggests that this variant is likely to be tolerated. In summary, the available evidence is currently insufficient to determine the role of this variant in disease. Therefore, it has been classified as a Variant of Uncertain Significance.